The following is an entry in ClinVar:

NM_001267550.2(TTN):c.101027G>A (p.Gly33676Glu)

Genes: TTN (titin; minus strand), TTN-AS1 (TTN antisense RNA 1; plus strand). Cytogenetic location: 2q31.2.
Variant type: single nucleotide variant.
Coding change: c.101027G>A on transcript NM_001267550.2 (MANE Select); coding-DNA position 101027, G replaced by A.
Protein change: p.Gly33676Glu; replaces glycine 33676 with glutamic acid.
Molecular consequence: missense variant.
Genome position (GRCh38, 1-based): chr2:178,535,588, C>T on the plus strand (G>A on the coding strand, the complement: TTN is on the minus strand). VCF-style: chr2-178535588-C-T. GRCh37 (hg19) VCF-style: chr2-179400315-C-T.
Other names: c.96104G>A, p.Gly32035Glu (NM_001256850.1); c.73832G>A, p.Gly24611Glu (NM_003319.4); c.93323G>A, p.Gly31108Glu (NM_133378.4); c.74207G>A, p.Gly24736Glu (NM_133432.3); c.74408G>A, p.Gly24803Glu (NM_133437.4); short protein forms G24803E, G24611E, G24736E, G31108E, G32035E, G33676E.
Identifiers: ClinVar variation 965916 (VCV000965916.12), dbSNP rs368894429, ClinGen allele CA1985942.

ClinVar aggregate classification (germline): Uncertain significance. Review status: criteria provided, multiple submitters, no conflicts (2 of 4 stars). 3 submissions from 3 submitters: Uncertain significance (3). Last evaluated 2025-05-05.

Conditions:
Autosomal recessive limb-girdle muscular dystrophy type 2J (LGMDR10). Also called: Limb-girdle muscular dystrophy, type 2J; MUSCULAR DYSTROPHY, LIMB-GIRDLE, AUTOSOMAL RECESSIVE 10. Identifiers: Orphanet 140922, MedGen C1837342, MONDO:0012127, OMIM 608807.
Dilated cardiomyopathy 1G (CMD1G). Identifiers: Orphanet 154, MedGen C1858763, MONDO:0011400, OMIM 604145.
Hypertrophic cardiomyopathy 9. Also called: Familial hypertrophic cardiomyopathy 9. Identifiers: MedGen C1861065, MONDO:0013412, OMIM 613765.
Tibial muscular dystrophy (TMD). Also called: Tibial muscular dystrophy, tardive; Udd Distal Myopathy – Tibial Muscular Dystrophy; UDD MYOPATHY. Identifiers: Orphanet 609, MedGen C1838244, MONDO:0010870, OMIM 600334.
Early-onset myopathy with fatal cardiomyopathy (CMYO5). Also called: Salih Myopathy; CONGENITAL MYOPATHY 5 WITH CARDIOMYOPATHY. Identifiers: Orphanet 289377, MedGen C2673677, MONDO:0012714, OMIM 611705. Disease mechanism: loss of function.
Myopathy, myofibrillar, 9, with early respiratory failure (MFM9). Also called: Hereditary myopathy with early respiratory failure; Myopathy, distal, with early respiratory failure, autosomal dominant; EDSTROM MYOPATHY; MYOPATHY, PROXIMAL, WITH EARLY RESPIRATORY MUSCLE INVOLVEMENT. Identifiers: Orphanet 178464, Orphanet 34521, MedGen C1863599, MONDO:0011362, OMIM 603689.

Allele frequency attached by ClinVar (database versions not stated): gnomAD exomes 0.00001; ExAC 0.00002; gnomAD 0.00002; TOPMed 0.00003; ESP Exome Variant Server 0.00016.
gnomAD v4.1: 3 of 1,613,742 alleles (0.00019%); highest among the groups gnomAD compares: African/African-American, 0.004%; no homozygotes.

Submissions (3):

Labcorp Genetics (formerly Invitae), Labcorp
Classification: Uncertain significance for Dilated cardiomyopathy 1G; Autosomal recessive limb-girdle muscular dystrophy type 2J. Last evaluated: 2025-05-05. Review status: criteria provided, single submitter. Criteria: Invitae Variant Classification Sherloc (09022015). Collection method: clinical testing. Allele origin: germline.
Comment: This sequence change replaces glycine, which is neutral and non-polar, with glutamic acid, which is acidic and polar, at codon 33676 of the TTN protein (p.Gly33676Glu). This variant is present in population databases (rs368894429, gnomAD 0.007%). This variant has not been reported in the literature in individuals affected with TTN-related conditions. ClinVar contains an entry for this variant (Variation ID: 965916). Experimental studies and prediction algorithms are not available or were not evaluated, and the functional significance of this variant is currently unknown. This variant is located in the M band of TTN (PMID: 25589632). Non-truncating variants in this region may be relevant for neuromuscular disorders, but have not been definitively shown to cause cardiomyopathy (PMID: 23975875). In summary, the available evidence is currently insufficient to determine the role of this variant in disease. Therefore, it has been classified as a Variant of Uncertain Significance.

AiLife Diagnostics
Classification: Uncertain significance. Last evaluated: 2022-01-27. Review status: criteria provided, single submitter. Criteria: ACMG Guidelines, 2015. Collection method: clinical testing. Allele origin: germline. Affected: yes. Observed: 1 variant allele.

Fulgent Genetics
Classification: Uncertain significance for Tibial muscular dystrophy; Myopathy, myofibrillar, 9, with early respiratory failure; Dilated cardiomyopathy 1G; Autosomal recessive limb-girdle muscular dystrophy type 2J; Early-onset myopathy with fatal cardiomyopathy; Hypertrophic cardiomyopathy 9. Last evaluated: 2021-08-06. Review status: criteria provided, single submitter. Criteria: ACMG Guidelines, 2015. Collection method: clinical testing. Allele origin: unknown.

Literature cited by the submitters: PubMed 25589632 (cited by Labcorp Genetics (formerly Invitae), Labcorp); PubMed 23975875 (cited by Labcorp Genetics (formerly Invitae), Labcorp).